The following is an entry in ClinVar:

ClinVar aggregate classification (germline): Uncertain significance (1 of 4 stars; one submission).

Conditions:
Ehlers-Danlos syndrome, classic type, 1 (EDSCL1). Also called: EHLERS-DANLOS SYNDROME, GRAVIS TYPE; EHLERS-DANLOS SYNDROME, SEVERE CLASSIC TYPE; Ehlers-Danlos syndrome, type 1; Ehlers-Danlos Syndrome, Classic Type, COL5A1-Related; EDS I. Identifiers: MedGen C0268335, MONDO:0019567, OMIM 130000.
Osteogenesis imperfecta type I (OI1). Also called: OI, TYPE I; OSTEOGENESIS IMPERFECTA TARDA; OSTEOGENESIS IMPERFECTA WITH BLUE SCLERAE; Osteogenesis imperfecta type 1; Lobstein's Disease; Lobstein disease. Identifiers: Orphanet 216796, Orphanet 666, MedGen C0023931, MONDO:0008146, OMIM 166200. Disease mechanism: loss of function.

Submission:

Labcorp Genetics (formerly Invitae), Labcorp
Classification: Uncertain significance for Osteogenesis imperfecta type I; Ehlers-Danlos syndrome, classic type, 1. Last evaluated: 2024-05-06. Review status: criteria provided, single submitter. Criteria: Invitae Variant Classification Sherloc (09022015). Collection method: clinical testing. Allele origin: germline.
Comment: This sequence change falls in intron 8 of the COL1A2 gene. It does not directly change the encoded amino acid sequence of the COL1A2 protein. It affects a nucleotide within the consensus splice site. This variant is not present in population databases (gnomAD no frequency). This variant has not been reported in the literature in individuals affected with COL1A2-related conditions. Variants that disrupt the consensus splice site are a relatively common cause of aberrant splicing (PMID: 17576681, 9536098). In summary, the available evidence is currently insufficient to determine the role of this variant in disease. Therefore, it has been classified as a Variant of Uncertain Significance.

Literature cited by the submitters: PubMed 17576681; PubMed 9536098.

NM_000089.4(COL1A2):c.379-3_379-2insTTTTTTTTTTTTTTTTTTTTNNNNNNNNNNCTGACCTCGTGATCCGCCCGCCTCGGCCTCCCAAAGTGCTGGGATTACAGGCGTGAGCCACCGCGCCCGGCCGGGTCTCCCATTTTCTT

Gene: COL1A2 (collagen type I alpha 2 chain; plus strand). Cytogenetic location: 7q21.3.
Variant type: Insertion.
Coding change: c.379-3_379-2insTTTTTTTTTTTTTTTTTTTTNNNNNNNNNNCTGACCTCGTGATCCGCCCGCCTCGGCCTCCCAAAGTGCTGGGATTACAGGCGTGAGCCACCGCGCCCGGCCGGGTCTCCCATTTTCTT on transcript NM_000089.4 (MANE Select); 3 bases into the intron before coding-DNA position 379 through the canonical splice acceptor site of the intron before coding-DNA position 379, TTTTTTTTTTTTTTTTTTTTNNNNNNNNNNCTGACCTCGTGATCCGCCCGCCTCGGCCTCCCAAAGTGCTGGGATTACAGGCGTGAGCCACCGCGCCCGGCCGGGTCTCCCATTTTCTT inserted.
Molecular consequence: intron variant.
Genome position: GRCh38: chr7:94,404,836-94,404,837. GRCh37 (hg19): chr7:94,034,148-94,034,149.
Identifiers: ClinVar variation 3754672 (VCV003754672.2).